The following continues an entry in ClinVar:

NM_000169.3(GLA):c.427G>A (p.Ala143Thr)

ClinVar aggregate classification (germline): Conflicting classifications of pathogenicity. Pathogenic (1); Likely pathogenic (7); Uncertain significance (21); Likely benign (3).

Submissions 12 to 25 of 35:

Blueprint Genetics
Classification: Uncertain significance. Last evaluated: 2024-10-17. Review status: criteria provided, single submitter. Criteria: ACMG Guidelines, 2015. Collection method: clinical testing. Allele origin: germline.

Department of Human Genetics, Hannover Medical School
Classification: Uncertain significance for Fabry disease. Last evaluated: 2024-07-09. Review status: criteria provided, single submitter. Criteria: ACMG Guidelines, 2015. Collection method: clinical testing. Allele origin: germline. Inheritance: X-linked dominant inheritance. Affected: yes.

CeGaT Center for Human Genetics Tuebingen
Classification: Likely benign. Last evaluated: 2024-05-01. Review status: criteria provided, single submitter. Criteria: CeGaT Center For Human Genetics Tuebingen Variant Classification Criteria Version 2. Collection method: clinical testing. Allele origin: germline. Affected: yes. Observed: 6 variant alleles.
Comment: GLA: PM5, BS2; RPL36A-HNRNPH2: BS2

Molecular Diagnostic Laboratory for Inherited Cardiovascular Disease, Montreal Heart Institute
Classification: Likely pathogenic for Cardiovascular phenotype. Last evaluated: 2024-04-17. Review status: criteria provided, single submitter. Criteria: ACMG Guidelines, 2015. Collection method: clinical testing. Allele origin: germline. Affected: yes.
Comment: PS4, PP1_strong, PM5, PS3_supp, PP2, PP3, PP4, BS1

Clinical Genetics Laboratory, Skane University Hospital Lund
Classification: Likely benign. Last evaluated: 2023-03-30. Review status: criteria provided, single submitter. Criteria: ACMG Guidelines, 2015. Collection method: clinical testing. Allele origin: germline. Affected: yes.

Molecular Genetics, Royal Melbourne Hospital
Classification: Uncertain significance for Fabry disease. Last evaluated: 2023-03-30. Review status: criteria provided, single submitter. Criteria: ACMG Guidelines, 2015. Collection method: clinical testing. Allele origin: germline.
Comment: This sequence change is predicted to replace alanine with threonine at codon 143 of the GLA protein (p.Ala143Thr). The alanine residue is moderately conserved (100 vertebrates, UCSC), and is located in a predicted disulphide bond that is not present in a known functional domain. There is a small physicochemical difference between alanine and threonine. The variant is present in a large population cohort at a frequency of 0.05% (rs104894845, 104/205,433 alleles, 0 homozygotes, 29 hemizygotes in gnomAD v2.1.1), including 14 hemizygote males with an age range of 30-75 years in the control cohort (BS2). The variant has been identified in individuals varying from unaffected to classical and variant Fabry disease (PMID: 9100224, 23430526). Male hemizygotes typically demonstrate residual alpha galactosidase activity and normal globotriaosylceramide levels in the blood or tissue (PMID: 23430526, 27142856). In vitro expression studies have consistently shown ~35% of wild-type activity for the variant allele, and localisation of the enzyme to the lysosome (PMID: 16595074, 16773563, 23935525). Multiple lines of computational evidence predict a deleterious effect for the missense substitution (5/6 algorithms - PP3). Additionally, a variant at the same position with a different missense change (p.Ala143Pro) determined to be pathogenic has been seen before (ClinVar ID: 10769 - PM5). The International Fabry Disease Genotype-Phenotype Database (dbFGP) classifies p.Ala143Thr as likely benign, but recommends clinical evaluation of the patient and at-risk family members to determine the clinical relevance of the variant. Based on the classification scheme RMH ACMG Guidelines v1.1.1, this variant is classified as a VARIANT of UNCERTAIN SIGNIFICANCE. Following criteria are met: BS2, PM5, PP3.

Institute of Human Genetics, University of Leipzig Medical Center
Classification: Likely pathogenic for Fabry disease. Last evaluated: 2022-12-19. Review status: criteria provided, single submitter. Criteria: ACMG Guidelines, 2015. Collection method: clinical testing. Allele origin: unknown. Affected: yes.
Comment: _x000D_ Criteria applied: PS3, PS4_MOD, PM5, PP3

Laboratorio de Genetica e Diagnostico Molecular, Hospital Israelita Albert Einstein
Classification: Uncertain significance for Fabry disease. Last evaluated: 2022-12-09. Review status: criteria provided, single submitter. Criteria: ACMG Guidelines, 2015. Collection method: clinical testing. Allele origin: germline. Affected: yes. Observed: 1 variant allele.
Comment: ACMG classification criteria: PM5 moderated, PP3 supporting, BS2 strong

Department of Pathology and Laboratory Medicine, Sinai Health System
Classification: Uncertain significance for Fabry disease. Last evaluated: 2022-09-06. Review status: criteria provided, single submitter. Criteria: ACMG Guidelines, 2015. Collection method: research. Allele origin: germline.

CHEO Genetics Diagnostic Laboratory, Children's Hospital of Eastern Ontario
Classification: Uncertain significance for Cardiomyopathy. Last evaluated: 2022-02-03. Review status: criteria provided, single submitter. Criteria: ACMG Guidelines, 2015. Collection method: clinical testing. Allele origin: germline. Study: Canadian Open Genetics Repository.

MGZ Medical Genetics Center
Classification: Uncertain significance for Fabry disease. Last evaluated: 2021-12-21. Review status: criteria provided, single submitter. Criteria: ACMG Guidelines, 2015. Collection method: clinical testing. Allele origin: germline. Affected: yes. Observed: 1 variant allele.
Comment: ACMG criteria applied: PM1, PM5, PM2_SUP, BS2

CENTOGENE GmbH and LLC - Guiding Precision Medicine
Classification: Uncertain significance for Fabry disease. Last evaluated: 2021-09-15. Review status: criteria provided, single submitter. Criteria: ACMG Guidelines, 2015. Collection method: clinical testing. Allele origin: germline. Affected: yes.

Genome-Nilou Lab
Classification: Uncertain significance for Fabry disease. Last evaluated: 2021-07-15. Review status: criteria provided, single submitter. Criteria: ACMG Guidelines, 2015. Collection method: clinical testing. Allele origin: germline. Affected: no.

Victorian Clinical Genetics Services, Murdoch Childrens Research Institute
Classification: Uncertain significance for Fabry disease. Last evaluated: 2021-05-06. Review status: criteria provided, single submitter. Criteria: ACMG Guidelines, 2015. Collection method: clinical testing. Allele origin: germline. Inheritance: X-linked inheritance. Affected: yes.
Comment: Based on the classification scheme VCGS_Germline_v1.3.3, this variant is classified as VUS-3C. Following criteria are met: 0103 - Dominant negative and loss of function are known mechanisms of disease in this gene and are associated with Fabry disease (MIM#301500). Truncating variants in the last exon have been reported with a dominant negative mechanism, while those predicted to undergo nonsense mediated decay been reported with a loss of function mechanism. Missense variants have been reported with both aforementioned mechanisms. Gain of function has also been suggested, however more evidence is required (PMID: 8878432; PMID: 31613176). (I) 0109 - This gene is associated with X-linked disease. Both males and females have been reported with fabry disease, though the latter are more rarely reported and tend to have milder disease (OMIM, PMID: 31613176). (I) 0200 - Variant is predicted to result in a missense amino acid change from alanine to threonine. (I) 0253 - This variant is hemizygous. (I) 0304 - Variant is present in gnomAD (v2) <0.01 for a condition (75 heterozygotes, 0 homozygotes, 29 hemizygotes). (SP) 0503 - Missense variant consistently predicted to be tolerated by multiple in silico tools or not conserved in placental mammals with a minor amino acid change. (SB) 0600 - Variant is located in the annotated alpha galactosidase A domain (PDB, NCBI). (I) 0703 - Another missense variant comparable to the one identified in this case has moderate previous evidence for pathogenicity. This alternative change (p.Ala143Pro) has been reported multiple times as pathogenic and likely pathogenic, and in patients with classic fabry disease (ClinVar). Other alternative changes (p.Ala143Ser, p.Ala143Val) have been reported as VUS (ClinVar, PMID: 31956509). (SP) 0808 - Previous reports of pathogenicity for this variant are conflicting. This variant has been described as pathogenic and likely pathogneic, but more recently as likely benign and as a VUS (ClinVar). Fabry disease databases classify this variant as benign and as a polymorphism. Published literature has reported this variant in patients with fabry disease or cardiomyopathy, and described it as a likely neutral variant, a modifier and as a late-onset variant with incomplete sex- and age- dependant penetrance (PMID: 27142856; PMID: 29867742; PMID: 31949022). (I) 1010 - Functional evidence for this variant is inconclusive. Patients with this variant have been repeatedly reported with decreased but variable, enzyme activity. Residual enzyme activity was not consistently below the diagnostic threshold (PMID: 31949022, PMID: 27142856). (I) 1208 - Inheritance information for this variant is not currently available in this individual. (I) Legend: (SP) - Supporting pathogenic, (I) - Information, (SB) - Supporting benign